The following is an entry in ClinVar:

NM_002894.3(RBBP8):c.2048T>G (p.Leu683Ter)

Gene: RBBP8 (RB binding protein 8, endonuclease; plus strand). Cytogenetic location: 18q11.2.
Variant type: single nucleotide variant.
Coding change: c.2048T>G on transcript NM_002894.3 (MANE Select); coding-DNA position 2048, T replaced by G.
Protein change: p.Leu683Ter; replaces leucine 683 with a stop codon.
Molecular consequence: nonsense.
Genome position (GRCh38, 1-based): chr18:22,997,639, T>G. VCF-style: chr18-22997639-T-G. GRCh37 (hg19) VCF-style: chr18-20577602-T-G.
Other names: c.2048T>G, p.Leu683Ter (NM_203291.2, NM_203292.2); short protein forms L683*.
Identifiers: ClinVar variation 1683598 (VCV001683598.2), dbSNP rs2045882525, ClinGen allele CA401780692.

ClinVar aggregate classification (germline): Likely pathogenic (1 of 4 stars; one submission).

Conditions:
Jawad syndrome (JWDS). Also called: MICROCEPHALY WITH IMPAIRED INTELLECTUAL DEVELOPMENT AND DIGITAL ANOMALIES; KELLY SYNDROME. Identifiers: Orphanet 313795, MedGen C0796063, MONDO:0009622, OMIM 251255.
Seckel syndrome 2 (SCKL2). Also called: SECKEL-TYPE DWARFISM 2; MICROCEPHALIC PRIMORDIAL DWARFISM 2. Identifiers: Orphanet 808, MedGen C1847572, MONDO:0011715, OMIM 606744.

Submission:

Laboratorio de Genetica e Diagnostico Molecular, Hospital Israelita Albert Einstein
Classification: Likely pathogenic for Jawad syndrome; Seckel syndrome 2. Last evaluated: 2021-04-14. Review status: criteria provided, single submitter. Criteria: ACMG Guidelines, 2015. Collection method: clinical testing. Allele origin: germline. Affected: yes.
Comment: ACMG classification criteria: PVS1, PM2